The following is an entry in ClinVar:

ClinVar aggregate classification (germline): Uncertain significance. Review status: criteria provided, multiple submitters, no conflicts (2 of 4 stars). 2 submissions from 2 submitters: Uncertain significance (2). Last evaluated 2020-12-18.

Submissions (2):

Blueprint Genetics
Classification: Uncertain significance. Last evaluated: 2020-12-18. Review status: criteria provided, single submitter. Criteria: ACMG Guidelines, 2015. Collection method: clinical testing. Allele origin: germline.

GeneDx
Classification: Uncertain significance. Last evaluated: 2016-02-22. Review status: criteria provided, single submitter. Criteria: GeneDx Variant Classification (06012015). Collection method: clinical testing. Allele origin: germline. Affected: yes.
Comment: This variant is denoted ATM c.1898+3_1898+4delAT or IVS12+3_IVS12+4delAT and consists of a deletion of two nucleotides at the +3 to +4 position in intron 12 of the ATM gene. The normal sequence with the bases that are deleted in braces is TGgt[at]gtta, where the capital letters are exonic and the lower case are intronic. Multiple in silico models predict this variant to destroy the nearby natural donor site, and an RNA study found this variant to demonstrate in-frame skipping of exon 12 (Laake 2000). ATM c.1898+3_1898+4delAT has been observed in at least one individual with ataxia telangiectasia, however the presence of a second ATM variant was not indicated (Laake 2000). This variant was not observed in approximately 6,500 individuals of European and African American ancestry in the NHLBI Exome Sequencing Project, suggesting it is not a common benign variant in these populations. Based on the currently available information, we consider ATM c.1898+3_1898+4delAT to be a variant of uncertain significance.

NM_000051.4(ATM):c.1898+3_1898+4del

Gene: ATM (ATM serine/threonine kinase; plus strand). Cytogenetic location: 11q22.3.
Variant type: Deletion.
Coding change: c.1898+3_1898+4del on transcript NM_000051.4 (MANE Select); bases 3 to 4 of the intron after coding-DNA position 1898, 2 bases deleted (AT; older notation c.1898+3_1898+4delAT).
Molecular consequence: splice donor variant.
Genome position (GRCh38, 1-based): chr11:108,252,915-108,252,916, AT deleted; deleting any 2 consecutive bases within chr11:108,252,914-108,252,916 gives the same sequence; the c. name uses the placement nearest the transcript's 3' end. VCF-style (leftmost placement, unchanged base first): chr11-108252913-GTA-G. GRCh37 (hg19) VCF-style: chr11-108123640-GTA-G.
Other names: c.1898+3_1898+4del (NM_001351834.2); c.1898+3_1898+4delAT (NM_000051.3).
Identifiers: ClinVar variation 246091 (VCV000246091.3), dbSNP rs879254094, ClinGen allele CA10584326.